The following is an entry in ClinVar:

NM_006767.4(LZTR1):c.19del (p.Thr7fs)

Genes: LZTR1 (leucine zipper like post translational regulator 1; plus strand), LOC130067016 (ATAC-STARR-seq lymphoblastoid silent region 13504; plus strand). Cytogenetic location: 22q11.21.
Variant type: Deletion.
Coding change: c.19del on transcript NM_006767.4 (MANE Select); coding-DNA position 19, one base deleted (A; older notation c.19delA).
Protein change: p.Thr7fs; shifts the reading frame from threonine 7.
Molecular consequence: frameshift variant.
Genome position (GRCh38, 1-based): chr22:20,982,390, A deleted. VCF-style (leftmost placement, unchanged base first): chr22-20982389-CA-C. GRCh37 (hg19) VCF-style: chr22-21336678-CA-C.
Other names: short protein forms T7fs.
Identifiers: ClinVar variation 1784155 (VCV001784155.8), dbSNP rs2518607568, ClinGen allele CA2580099152.

ClinVar aggregate classification (germline): Pathogenic. Review status: criteria provided, multiple submitters, no conflicts (2 of 4 stars). 2 submissions from 2 submitters: Pathogenic (2). Last evaluated 2022-11-28.

Conditions:
Hereditary cancer-predisposing syndrome. Also called: Neoplastic Syndromes, Hereditary; Tumor predisposition; Hereditary Cancer Syndrome; Hereditary neoplastic syndrome. Identifiers: Orphanet 140162, MedGen C0027672, MeSH D009386, MONDO:0015356.
Cardiovascular phenotype. Identifiers: MedGen CN230736.

Submissions (2):

Labcorp Genetics (formerly Invitae), Labcorp
Classification: Pathogenic. Last evaluated: 2022-11-28. Review status: criteria provided, single submitter. Criteria: Invitae Variant Classification Sherloc (09022015). Collection method: clinical testing. Allele origin: germline.
Comment: For these reasons, this variant has been classified as Pathogenic. This variant has not been reported in the literature in individuals affected with LZTR1-related conditions. This variant is not present in population databases (gnomAD no frequency). This sequence change creates a premature translational stop signal (p.Thr7Argfs*18) in the LZTR1 gene. It is expected to result in an absent or disrupted protein product. Loss-of-function variants in LZTR1 are known to be pathogenic (PMID: 24362817, 25335493, 25480913, 25795793, 29469822, 30368668, 30442762, 30442766, 30481304, 30859559).

Ambry Genetics
Classification: Pathogenic for Cardiovascular phenotype; Hereditary cancer-predisposing syndrome. Last evaluated: 2021-09-09. Review status: criteria provided, single submitter. Criteria: Ambry Variant Classification Scheme 2023. Collection method: clinical testing. Allele origin: germline.
Comment: The c.19delA variant, located in coding exon 1 of the LZTR1 gene, results from a deletion of one nucleotide at nucleotide position 19, causing a translational frameshift with a predicted alternate stop codon (p.T7Rfs*18). This alteration is expected to result in loss of function by premature protein truncation or nonsense-mediated mRNA decay. Loss-of-function variants in LZTR1 are related to an increased risk for schwannomas and autosomal recessive Noonan syndrome; however, such associations with autosomal dominant Noonan syndrome have not been observed (Piotrowski A et al. Nat Genet. 2014 Feb;46:182-7; Yamamoto GL et al. J Med Genet. 2015 Jun;52:413-21; Johnston JJ et al. Genet Med. 2018 10;20:1175-1185). Based on the supporting evidence, this variant is pathogenic for an increased risk of LZTR1-related schwannomatosis (SWN) and would be expected to cause autosomal recessive Noonan syndrome when present along with a second pathogenic or likely pathogenic variant on the other allele; however, the association of this alteration with autosomal dominant Noonan syndrome is unlikely.

Literature cited by the submitters: PubMed 24362817 (cited by Labcorp Genetics (formerly Invitae), Labcorp); PubMed 25335493 (cited by Labcorp Genetics (formerly Invitae), Labcorp); PubMed 25480913 (cited by Labcorp Genetics (formerly Invitae), Labcorp); PubMed 25795793 (cited by Labcorp Genetics (formerly Invitae), Labcorp); PubMed 29469822 (cited by Labcorp Genetics (formerly Invitae), Labcorp); PubMed 30368668 (cited by Labcorp Genetics (formerly Invitae), Labcorp); PubMed 30442762 (cited by Labcorp Genetics (formerly Invitae), Labcorp); PubMed 30442766 (cited by Labcorp Genetics (formerly Invitae), Labcorp); PubMed 30481304 (cited by Labcorp Genetics (formerly Invitae), Labcorp); PubMed 30859559 (cited by Labcorp Genetics (formerly Invitae), Labcorp).